The following is an entry in ClinVar:

ClinVar aggregate classification (germline): Uncertain significance (1 of 4 stars; one submission).

Conditions:
Autosomal recessive severe congenital neutropenia due to CSF3R deficiency. Also called: Neutropenia, severe congenital, 7, autosomal recessive. Identifiers: Orphanet 420702, MedGen C4310764, MONDO:0014865, OMIM 617014.

Allele frequency attached by ClinVar (database versions not stated): ExAC 0.00001; gnomAD 0.00001; gnomAD exomes 0.00001.
gnomAD v4.1: 5 of 1,614,066 alleles (0.00031%); highest among the groups gnomAD compares: Admixed American, 0.0067%; no homozygotes.

Submission:

Labcorp Genetics (formerly Invitae), Labcorp
Classification: Uncertain significance for Autosomal recessive severe congenital neutropenia due to CSF3R deficiency. Last evaluated: 2025-05-06. Review status: criteria provided, single submitter. Criteria: Invitae Variant Classification Sherloc (09022015). Collection method: clinical testing. Allele origin: germline.
Comment: This sequence change replaces cysteine, which is neutral and slightly polar, with tyrosine, which is neutral and polar, at codon 643 of the CSF3R protein (p.Cys643Tyr). This variant is present in population databases (rs749829503, gnomAD 0.01%). This variant has not been reported in the literature in individuals affected with CSF3R-related conditions. ClinVar contains an entry for this variant (Variation ID: 2717608). Invitae Evidence Modeling of protein sequence and biophysical properties (such as structural, functional, and spatial information, amino acid conservation, physicochemical variation, residue mobility, and thermodynamic stability) has been performed for this missense variant. However, the output from this modeling did not meet the statistical confidence thresholds required to predict the impact of this variant on CSF3R protein function. In summary, the available evidence is currently insufficient to determine the role of this variant in disease. Therefore, it has been classified as a Variant of Uncertain Significance.

NM_000760.4(CSF3R):c.1928G>A (p.Cys643Tyr)

Gene: CSF3R (colony stimulating factor 3 receptor; minus strand). Cytogenetic location: 1p34.3.
Variant type: single nucleotide variant.
Coding change: c.1928G>A on transcript NM_000760.4 (MANE Select); coding-DNA position 1928, G replaced by A.
Protein change: p.Cys643Tyr; replaces cysteine 643 with tyrosine.
Molecular consequence: missense variant.
Genome position (GRCh38, 1-based): chr1:36,467,588, C>T on the plus strand (G>A on the coding strand, the complement: CSF3R is on the minus strand). VCF-style: chr1-36467588-C-T. GRCh37 (hg19) VCF-style: chr1-36933189-C-T.
Other names: c.1928G>A, p.Cys643Tyr (NM_156039.3, NM_172313.3); short protein forms C643Y.
Identifiers: ClinVar variation 2717608 (VCV002717608.3), dbSNP rs749829503, ClinGen allele CA769031.